The following is an entry in ClinVar:

ClinVar aggregate classification (germline): Benign. Review status: criteria provided, multiple submitters, no conflicts (2 of 4 stars). 9 submissions from 9 submitters: Benign (7). 2 of the submissions do not count toward it. Last evaluated 2026-02-04.

Conditions:
Glycogen storage disease, type V (GSD5). Also called: MCARDLE DISEASE; MUSCLE GLYCOGEN PHOSPHORYLASE DEFICIENCY; MYOPHOSPHORYLASE DEFICIENCY; PYGM DEFICIENCY; McArdle type glycogen storage disease. Identifiers: Orphanet 368, MedGen C0017924, MONDO:0009293, OMIM 232600.

Allele frequency attached by ClinVar (database versions not stated): ExAC 0.01173; gnomAD 0.01778; ESP Exome Variant Server 0.01818; TOPMed 0.01883; 1000 Genomes Project 0.02316; 1000 Genomes Project 30x 0.02358.

Submissions (9):

Labcorp Genetics (formerly Invitae), Labcorp
Classification: Benign for Glycogen storage disease, type V. Last evaluated: 2026-02-04. Review status: criteria provided, single submitter. Criteria: Invitae Variant Classification Sherloc (09022015). Collection method: clinical testing. Allele origin: germline.

ARUP Laboratories, Molecular Genetics and Genomics, ARUP Laboratories
Classification: Benign for Glycogen storage disease, type V. Last evaluated: 2025-05-09. Review status: criteria provided, single submitter. Criteria: ARUP Molecular Germline Variant Investigation Process 2024. Collection method: clinical testing. Allele origin: germline.

Illumina Laboratory Services, Illumina
Classification: Benign for Glycogen storage disease, type V. Last evaluated: 2018-01-13. Review status: criteria provided, single submitter. Criteria: ICSL Variant Classification Criteria 13 December 2019. Collection method: clinical testing. Allele origin: germline.
Comment: This variant was observed in the ICSL laboratory as part of a predisposition screen in an ostensibly healthy population. It had not been previously curated by ICSL or reported in the Human Gene Mutation Database (HGMD: prior to June 1st, 2018), and was therefore a candidate for classification through an automated scoring system. Utilizing variant allele frequency, disease prevalence and penetrance estimates, and inheritance mode, an automated score was calculated to assess if this variant is too frequent to cause the disease. Based on the score and internal cut-off values, a variant classified as benign is not then subjected to further curation. The score for this variant resulted in a classification of benign for this disease.

Eurofins Ntd Llc (ga)
Classification: Benign. Last evaluated: 2016-05-25. Review status: criteria provided, single submitter. Criteria: EGL Classification Definitions 2015. Collection method: clinical testing. Allele origin: germline. Observed: 5 variant alleles, 5 heterozygotes.

GeneDx
Classification: Benign. Last evaluated: 2015-03-03. Review status: criteria provided, single submitter. Criteria: GeneDx Variant Classification Process June 2021. Collection method: clinical testing. Allele origin: germline. Affected: yes.

Breakthrough Genomics
Classification: Benign. Review status: criteria provided, single submitter. Criteria: ACMG Guidelines, 2015. Collection method: not provided. Allele origin: germline. Inheritance: Autosomal recessive inheritance. Affected: yes.

PreventionGenetics, part of Exact Sciences
Classification: Benign. Review status: criteria provided, single submitter. Criteria: ACMG Guidelines, 2015. Collection method: clinical testing. Allele origin: germline.

Natera, Inc.
Classification: Benign for Glycogen storage disease V. Last evaluated: 2020-09-16. Review status: no assertion criteria provided. Collection method: clinical testing. Allele origin: germline. Not counted in ClinVar's aggregate classification.

Mayo Clinic Laboratories, Mayo Clinic
Classification: Benign. Last evaluated: 2017-03-14. Review status: no assertion criteria provided. Collection method: clinical testing. Allele origin: unknown. Not counted in ClinVar's aggregate classification.

NM_005609.4(PYGM):c.1184C>T (p.Thr395Met)

Gene: PYGM (glycogen phosphorylase, muscle associated; minus strand). Cytogenetic location: 11q13.1.
Variant type: single nucleotide variant.
Coding change: c.1184C>T on transcript NM_005609.4 (MANE Select); coding-DNA position 1184, C replaced by T.
Protein change: p.Thr395Met; replaces threonine 395 with methionine.
Molecular consequence: missense variant.
Genome position (GRCh38, 1-based): chr11:64,753,934, G>A on the plus strand (C>T on the coding strand, the complement: PYGM is on the minus strand). VCF-style: chr11-64753934-G-A. GRCh37 (hg19) VCF-style: chr11-64521406-G-A.
Other names: c.920C>T, p.Thr307Met (NM_001164716.1); short protein forms T395M, T307M.
Identifiers: ClinVar variation 193682 (VCV000193682.26), dbSNP rs71581787, ClinGen allele CA200729.